The following is an entry in ClinVar:

ClinVar aggregate classification (germline): Likely benign. Review status: criteria provided, multiple submitters, no conflicts (2 of 4 stars). 7 submissions from 7 submitters: Likely benign (6). 1 of the submissions does not count toward it. Last evaluated 2025-11-01.

Conditions:
Cardiovascular phenotype. Identifiers: MedGen CN230736.
Arrhythmogenic cardiomyopathy with wooly hair and keratoderma. Also called: Dilated cardiomyopathy with woolly hair and keratoderma; Arrhythmogenic cardiomyopathy with woolly hair and keratoderma; PALMOPLANTAR KERATODERMA WITH LEFT VENTRICULAR CARDIOMYOPATHY AND WOOLLY HAIR; Carvajal syndrome. Identifiers: Orphanet 65282, MedGen C1854063, MONDO:0011581, OMIM 605676.
Lethal acantholytic epidermolysis bullosa (EBLA). Identifiers: Orphanet 158687, MedGen C1864826, MONDO:0012323, OMIM 609638.
Keratosis palmoplantaris striata 2. Also called: Keratosis palmoplantaris striata II; KERATODERMA, PALMOPLANTAR, STRIATE FORM II; STRIATE PALMOPLANTAR KERATODERMA II. Identifiers: MedGen C1852127, MONDO:0013034, OMIM 612908.
Cardiomyopathy, dilated, with wooly hair, keratoderma, and tooth agenesis. Also called: Erythrokeratodermia-cardiomyopathy syndrome; Cardiomyopathy, dilated, with woolly hair, keratoderma, and tooth agenesis. Identifiers: Orphanet 476096, Orphanet 65282, MedGen C4014393, MONDO:0014355, OMIM 615821.
Woolly hair-skin fragility syndrome (WHSF). Identifiers: Orphanet 293165, MedGen C1843292, MONDO:0957307, OMIM 620415.
Arrhythmogenic right ventricular dysplasia 8 (ARVD8). Also called: Arrhythmogenic Right Ventricular Dysplasia/Cardiomyopathy 8; ARRHYTHMOGENIC RIGHT VENTRICULAR DYSPLASIA, FAMILIAL, 8; ARRHYTHMOGENIC RIGHT VENTRICULAR CARDIOMYOPATHY 8. Identifiers: MedGen C1843896, MONDO:0011831, OMIM 607450.
Cardiomyopathy (CMYO). Also called: Cardiomyopathies. Identifiers: Orphanet 167848, MedGen C0878544, MONDO:0004994, HP:0001638. Inheritance: Various modes of inheritance.
DSP-related disorder. Also called: DSP-related condition; DSP-related disorders.

Allele frequency attached by ClinVar (database versions not stated): TOPMed 0.00006.
gnomAD v4.1: 194 of 1,600,226 alleles (0.012%); highest among the groups gnomAD compares: Non-Finnish European, 0.016%; no homozygotes.

Submissions (7):

Labcorp Genetics (formerly Invitae), Labcorp
Classification: Likely benign for Arrhythmogenic cardiomyopathy with wooly hair and keratoderma; Arrhythmogenic right ventricular dysplasia 8. Last evaluated: 2025-11-01. Review status: criteria provided, single submitter. Criteria: Invitae Variant Classification Sherloc (09022015). Collection method: clinical testing. Allele origin: germline.

All of Us Research Program, National Institutes of Health
Classification: Likely benign for Arrhythmogenic cardiomyopathy with wooly hair and keratoderma. Last evaluated: 2024-02-05. Review status: criteria provided, single submitter. Criteria: ACMG Guidelines, 2015. Collection method: clinical testing. Allele origin: germline. Inheritance: Autosomal dominant inheritance. Observed: 16 variant alleles, 16 heterozygotes.
Comment: This study involves interpretation of variants in research participants for the purpose of population health screening. Participant phenotype was not available at the time of variant classification. Additional details can be found in publication PMID: 35346344, PMCID: PMC8962531

Fulgent Genetics
Classification: Likely benign for Arrhythmogenic cardiomyopathy with wooly hair and keratoderma; Arrhythmogenic right ventricular dysplasia 8; Lethal acantholytic epidermolysis bullosa; Keratosis palmoplantaris striata 2; Cardiomyopathy, dilated, with wooly hair, keratoderma, and tooth agenesis. Last evaluated: 2021-08-23. Review status: criteria provided, single submitter. Criteria: ACMG Guidelines, 2015. Collection method: clinical testing. Allele origin: unknown.

Ambry Genetics
Classification: Likely benign for Cardiovascular phenotype. Last evaluated: 2020-09-18. Review status: criteria provided, single submitter. Criteria: Ambry Variant Classification Scheme 2023. Collection method: clinical testing. Allele origin: germline.

Color Diagnostics, LLC DBA Color Health
Classification: Likely benign for Cardiomyopathy. Last evaluated: 2018-11-25. Review status: criteria provided, single submitter. Criteria: ACMG Guidelines, 2015. Collection method: clinical testing. Allele origin: germline.

GeneDx
Classification: Likely benign. Last evaluated: 2018-08-21. Review status: criteria provided, single submitter. Criteria: GeneDx Variant Classification Process June 2021. Collection method: clinical testing. Allele origin: germline. Affected: yes.

PreventionGenetics, part of Exact Sciences
Classification: Likely benign for DSP-related condition. Last evaluated: 2022-08-29. Review status: no assertion criteria provided. Collection method: clinical testing. Allele origin: germline. Not counted in ClinVar's aggregate classification.
Comment: This variant is classified as likely benign based on ACMG/AMP sequence variant interpretation guidelines (Richards et al. 2015 PMID: 25741868, with internal and published modifications).

NM_004415.4(DSP):c.78G>T (p.Leu26=)

Genes: DSP (desmoplakin; plus strand), DSP-AS1 (DSP antisense RNA 1; minus strand). Cytogenetic location: 6p24.3.
Variant type: single nucleotide variant.
Coding change: c.78G>T on transcript NM_004415.4 (MANE Select); coding-DNA position 78, G replaced by T.
Protein change: p.Leu26=; no amino-acid change (leucine 26 retained).
Molecular consequence: synonymous variant.
Genome position (GRCh38, 1-based): chr6:7,541,993, G>T. VCF-style: chr6-7541993-G-T. GRCh37 (hg19) VCF-style: chr6-7542226-G-T.
Other names: c.78G>T, p.Leu26= (NM_001008844.3, NM_001319034.2); c.78G>T (NM_004415.3, LRG_423t1).
Identifiers: ClinVar variation 534320 (VCV000534320.22), dbSNP rs71559180, ClinGen allele CA051119.